The following is an entry in ClinVar:

ClinVar aggregate classification (germline): Uncertain significance. Review status: criteria provided, multiple submitters, no conflicts (2 of 4 stars). 2 submissions from 2 submitters: Uncertain significance (2). Last evaluated 2024-04-12.

Conditions:
Developmental and epileptic encephalopathy, 53. Also called: Epileptic encephalopathy, early infantile, 53. Identifiers: MedGen C4479313, MONDO:0033362, OMIM 617389.
Early-onset Parkinson disease 20. Also called: PARKINSON DISEASE 20, AUTOSOMAL RECESSIVE EARLY-ONSET. Identifiers: Orphanet 391411, MedGen C3809824, MONDO:0014233, OMIM 615530.
Inborn genetic diseases. Identifiers: MedGen C0950123, MeSH D030342.

Allele frequency attached by ClinVar (database versions not stated): ExAC 0.00002; gnomAD exomes 0.00002 and 0.00001; TOPMed 0.00008; gnomAD 0.00010 and 0.00011.
gnomAD v4.1: 27 of 1,473,188 alleles (0.0018%); highest among the groups gnomAD compares: African/African-American, 0.04%; no homozygotes.

Submissions (2):

Ambry Genetics
Classification: Uncertain significance for Inborn genetic diseases. Last evaluated: 2024-04-12. Review status: criteria provided, single submitter. Criteria: Ambry Variant Classification Scheme 2023. Collection method: clinical testing. Allele origin: germline.

Labcorp Genetics (formerly Invitae), Labcorp
Classification: Uncertain significance for Developmental and epileptic encephalopathy, 53; Early-onset Parkinson disease 20. Last evaluated: 2022-07-05. Review status: criteria provided, single submitter. Criteria: Invitae Variant Classification Sherloc (09022015). Collection method: clinical testing. Allele origin: germline.
Comment: This sequence change replaces phenylalanine, which is neutral and non-polar, with leucine, which is neutral and non-polar, at codon 325 of the SYNJ1 protein (p.Phe325Leu). This variant is present in population databases (rs752120549, gnomAD 0.03%). This variant has not been reported in the literature in individuals affected with SYNJ1-related conditions. ClinVar contains an entry for this variant (Variation ID: 1053057). Algorithms developed to predict the effect of missense changes on protein structure and function are either unavailable or do not agree on the potential impact of this missense change (SIFT: "Tolerated"; PolyPhen-2: "Possibly Damaging"; Align-GVGD: "Class C0"). In summary, the available evidence is currently insufficient to determine the role of this variant in disease. Therefore, it has been classified as a Variant of Uncertain Significance.

NM_203446.3(SYNJ1):c.856T>C (p.Phe286Leu)

Gene: SYNJ1 (synaptojanin 1; minus strand). Cytogenetic location: 21q22.11.
Variant type: single nucleotide variant.
Coding change: c.856T>C on transcript NM_203446.3 (MANE Select); coding-DNA position 856, T replaced by C.
Protein change: p.Phe286Leu; replaces phenylalanine 286 with leucine.
Molecular consequence: missense variant.
Genome position (GRCh38, 1-based): chr21:32,687,070, A>G on the plus strand (T>C on the coding strand, the complement: SYNJ1 is on the minus strand). VCF-style: chr21-32687070-A-G. GRCh37 (hg19) VCF-style: chr21-34059380-A-G.
Other names: c.856T>C, p.Phe286Leu (NM_001160302.2, NM_001160306.2); c.973T>C, p.Phe325Leu (NM_003895.4); short protein forms F286L, F325L.
Identifiers: ClinVar variation 1053057 (VCV001053057.5), dbSNP rs752120549, ClinGen allele CA10004013.